The following is an entry in ClinVar:

NM_058179.4(PSAT1):c.877G>A (p.Val293Met)

Gene: PSAT1 (phosphoserine aminotransferase 1; plus strand). Cytogenetic location: 9q21.2.
Variant type: single nucleotide variant.
Coding change: c.877G>A on transcript NM_058179.4 (MANE Select); coding-DNA position 877, G replaced by A.
Protein change: p.Val293Met; replaces valine 293 with methionine.
Molecular consequence: missense variant. On other transcripts: intron variant (1).
Genome position (GRCh38, 1-based): chr9:78,328,058, G>A. VCF-style: chr9-78328058-G-A. GRCh37 (hg19) VCF-style: chr9-80942974-G-A.
Other names: c.870-923G>A (NM_021154.5); short protein forms V293M.
Identifiers: ClinVar variation 977057 (VCV000977057.8), dbSNP rs1271264402, ClinGen allele CA373860609.

ClinVar aggregate classification (germline): Uncertain significance. Review status: criteria provided, single submitter (1 of 4 stars). 2 submissions from 2 submitters: Uncertain significance (1). 1 of the submissions does not count toward it. Last evaluated 2021-08-30.

Conditions:
Neu-Laxova syndrome 2. Identifiers: Orphanet 2671, Orphanet 583602, MedGen C4015019, MONDO:0014466, OMIM 616038.

Allele frequency attached by ClinVar (database versions not stated): gnomAD exomes below 0.00001 and 0.00001; gnomAD 0.00001.

Submissions (2):

Labcorp Genetics (formerly Invitae), Labcorp
Classification: Uncertain significance for Neu-Laxova syndrome 2. Last evaluated: 2021-08-30. Review status: criteria provided, single submitter. Criteria: Invitae Variant Classification Sherloc (09022015). Collection method: clinical testing. Allele origin: germline.
Comment: This sequence change replaces valine with methionine at codon 293 of the PSAT1 protein (p.Val293Met). The valine residue is highly conserved and there is a small physicochemical difference between valine and methionine. This variant is not present in population databases (ExAC no frequency). This variant has not been reported in the literature in individuals affected with PSAT1-related conditions. ClinVar contains an entry for this variant (Variation ID: 977057). Algorithms developed to predict the effect of missense changes on protein structure and function are either unavailable or do not agree on the potential impact of this missense change (SIFT: "Deleterious"; PolyPhen-2: "Probably Damaging"; Align-GVGD: "Class C15"). Experimental studies have shown that this missense change affects PSAT1 function (PMID: 32077105). In summary, the available evidence is currently insufficient to determine the role of this variant in disease. Therefore, it has been classified as a Variant of Uncertain Significance.

Dudley Research Group, Pacific Northwest Research Institute
No classification provided. Review status: no classification provided. Collection method: research, in vivo. Allele origin: unknown, not applicable. Functional consequence: loss_of_function_variant. Not counted in ClinVar's aggregate classification.

Literature cited by the submitters: PubMed 32077105 (cited by Labcorp Genetics (formerly Invitae), Labcorp).